The following is an entry in ClinVar:

NM_000551.4(VHL):c.340+821C>T

Genes: VHL (von Hippel-Lindau tumor suppressor; plus strand), LOC107303340 (3p25 von Hippel-Lindau tumor suppressor, E3 ubiquitin protein ligase Alu-mediated recombination region; plus strand). Cytogenetic location: 3p25.3.
Variant type: single nucleotide variant.
Coding change: c.340+821C>T on transcript NM_000551.4 (MANE Select); 821 bases into the intron after coding-DNA position 340, C replaced by T.
Molecular consequence: intron variant. On other transcripts: 3 prime UTR variant (1).
Genome position (GRCh38, 1-based): chr3:10,143,008, C>T. VCF-style: chr3-10143008-C-T. GRCh37 (hg19) VCF-style: chr3-10184692-C-T.
Other names: c.*4C>T (NM_001354723.2); c.340+821C>T (NM_198156.3).
Identifiers: ClinVar variation 2031055 (VCV002031055.4), dbSNP rs552399136, ClinGen allele CA2580068453.
Genomic context (GRCh38, chr3:10,143,008, plus strand): 5'-TGTGTGGTTTCAGTTAAGGAGCACTTCCCGGAGAAGGAAGAGAGCAGGATGGAGTAGGAA[C>T]TAGCCAACCCTAGGTAAGAGGTTCTAGACATGCGTGCGTTGAGACCTGGAGTCTTGGGAG-3'

ClinVar aggregate classification (germline): Uncertain significance (1 of 4 stars; one submission).

Conditions:
Chuvash polycythemia. Also called: POLYCYTHEMIA, VHL-DEPENDENT. Identifiers: Orphanet 238557, MedGen C1837915, MONDO:0009892, OMIM 263400.
Von Hippel-Lindau syndrome (VHLS). Also called: Von Hippel-Lindau; von Hippel–Lindau syndrome; VHL syndrome. Identifiers: Orphanet 892, MedGen C0019562, MONDO:0008667, OMIM 193300. Disease mechanism: loss of function.

Submission:

Labcorp Genetics (formerly Invitae), Labcorp
Classification: Uncertain significance for Von Hippel-Lindau syndrome; Chuvash polycythemia. Last evaluated: 2025-02-18. Review status: criteria provided, single submitter. Criteria: Invitae Variant Classification Sherloc (09022015). Collection method: clinical testing. Allele origin: germline.
Comment: This sequence change falls in intron 1 of the VHL gene. It is not expected to change the encoded amino acid sequence of the VHL protein. However, this sequence change falls within a cryptic exon in the VHL gene, known as exon E1’, which is naturally expressed at low levels in several human tissues (PMID: 29891534). This variant is not present in population databases (gnomAD no frequency). This variant has not been reported in the literature in individuals affected with VHL-related conditions. ClinVar contains an entry for this variant (Variation ID: 2031055). Algorithms developed to predict the effect of sequence changes on RNA splicing suggest that this variant is not likely to affect RNA splicing. In summary, the available evidence is currently insufficient to determine the role of this variant in disease. Therefore, it has been classified as a Variant of Uncertain Significance.

Literature cited by the submitters: PubMed 29891534.